The following is an entry in ClinVar:

ClinVar aggregate classification (germline): Uncertain significance (1 of 4 stars; one submission).

gnomAD v4.1: 2 of 1,210,171 alleles (0.00017%); highest among the groups gnomAD compares: Non-Finnish European, 0.00022%; no homozygotes.

Submission:

Labcorp Genetics (formerly Invitae), Labcorp
Classification: Uncertain significance. Last evaluated: 2025-09-03. Review status: criteria provided, single submitter. Criteria: Invitae Variant Classification Sherloc (09022015). Collection method: clinical testing. Allele origin: germline.
Comment: This sequence change replaces leucine, which is neutral and non-polar, with phenylalanine, which is neutral and non-polar, at codon 168 of the BCAP31 protein (p.Leu168Phe). This variant is not present in population databases (gnomAD no frequency). This variant has not been reported in the literature in individuals affected with BCAP31-related conditions. An algorithm developed to predict the effect of missense changes on protein structure and function (PolyPhen-2) suggests that this variant is likely to be disruptive. In summary, the available evidence is currently insufficient to determine the role of this variant in disease. Therefore, it has been classified as a Variant of Uncertain Significance.

NM_001256447.2(BCAP31):c.504G>C (p.Leu168Phe)

Gene: BCAP31 (B cell receptor associated protein 31; minus strand). Cytogenetic location: Xq28.
Variant type: single nucleotide variant.
Coding change: c.504G>C on transcript NM_001256447.2 (MANE Select); coding-DNA position 504, G replaced by C.
Protein change: p.Leu168Phe; replaces leucine 168 with phenylalanine.
Molecular consequence: missense variant.
Genome position (GRCh38, 1-based): chrX:153,703,032, C>G on the plus strand (G>C on the coding strand, the complement: BCAP31 is on the minus strand). VCF-style: chrX-153703032-C-G. GRCh37 (hg19) VCF-style: chrX-152968487-C-G.
Other names: c.504G>C, p.Leu168Phe (NM_001139441.1, NM_005745.8); c.705G>C, p.Leu235Phe (NM_001139457.2); short protein forms L168F, L235F.
Identifiers: ClinVar variation 4698843 (VCV004698843.1).